The following is an entry in ClinVar:

ClinVar aggregate classification (germline): Uncertain significance (1 of 4 stars; one submission).

Submission:

Mayo Clinic Laboratories, Mayo Clinic
Classification: Uncertain significance. Last evaluated: 2023-02-28. Review status: criteria provided, single submitter. Criteria: ACMG Guidelines, 2015. Collection method: clinical testing. Allele origin: germline. Observed: 1 variant allele.
Comment: PP3, PM2

NM_000155.4(GALT):c.1027G>A (p.Ala343Thr)

Gene: GALT (galactose-1-phosphate uridylyltransferase; plus strand). Cytogenetic location: 9p13.3.
Variant type: single nucleotide variant.
Coding change: c.1027G>A on transcript NM_000155.4 (MANE Select); coding-DNA position 1027, G replaced by A.
Protein change: p.Ala343Thr; replaces alanine 343 with threonine.
Molecular consequence: missense variant.
Genome position (GRCh38, 1-based): chr9:34,649,532, G>A. VCF-style: chr9-34649532-G-A. GRCh37 (hg19) VCF-style: chr9-34649529-G-A.
Other names: p.Ala343Thr; c.700G>A, p.Ala234Thr (NM_001258332.2); short protein forms A234T, A343T.
Identifiers: ClinVar variation 2683042 (VCV002683042.1), dbSNP rs2492876274, ClinGen allele CA373285205.
Genomic context (GRCh38, chr9:34,649,532, plus strand): 5'-TACCCTCCGCTCCTGCGCTCTGCCACTGTCCGGAAATTCATGGTTGGCTACGAAATGCTT[G>A]CTCAGGCTCAGAGGGACCTCACCCCTGAGCAGGTCAGGACTCAGAACAGTCTGGCGTCTC-3'
Protein context (NP_000146.2, residues 333-353): RKFMVGYEML[Ala343Thr]QAQRDLTPEQ